The following continues an entry in ClinVar:

NM_000243.3(MEFV):c.910G>A (p.Gly304Arg)

Gene: MEFV. ClinVar aggregate classification (germline): Conflicting classifications of pathogenicity. Uncertain significance (5); Benign (2); Likely benign (2).

Submissions 9 to 28 of 28:

Genome Diagnostics Laboratory, The Hospital for Sick Children
Classification: Uncertain significance for Autoinflammatory syndrome. Last evaluated: 2020-04-01. Review status: criteria provided, single submitter. Criteria: ACMG Guidelines, 2015. Collection method: clinical testing. Allele origin: germline. Affected: yes.

PreventionGenetics, part of Exact Sciences
Classification: Uncertain significance for MEFV-related condition. Last evaluated: 2024-09-06. Review status: no assertion criteria provided. Collection method: clinical testing. Allele origin: germline. Not counted in ClinVar's aggregate classification.
Comment: The MEFV c.910G>A variant is predicted to result in the amino acid substitution p.Gly304Arg. This variant has been reported in patients with familial mediterranean fever (Tone et al. 2012. PubMed ID: 21562927; Ebadi et al. 2017. PubMed ID: 28943464) and in a patient with Sweets syndrome, myelodyplastic syndrome, high fever and leukocytosis (Jo et al. 2015. PubMed ID: 25671271). The c.910G>A substitution resides near the consensus intron 2 splice donor site and is predicted to abolish this splice donor site (Alamut v.2.11). Biochemical analysis in one report indicates that the c.910G>A substitution causes aberrant exon splicing and results in a truncated MEFV protein (Tone et al. 2012. PubMed ID: 21562927). This variant is also reported at a maximum allele frequency of 1.7% in East Asians and 2.75% in the Finnish population and has been reported in several individuals in the homozygous state in databases of apparently unaffected individuals. At this time, the clinical significance of this variant is uncertain due to the absence of conclusive functional and genetic evidence.

Counsyl
Classification: Likely benign for Familial Mediterranean fever. Last evaluated: 2014-12-11. Review status: no assertion criteria provided. Collection method: literature only. Allele origin: unknown. Inheritance: Autosomal recessive inheritance. Not counted in ClinVar's aggregate classification.

Clinical Genetics DNA and cytogenetics Diagnostics Lab, Erasmus MC, Erasmus Medical Center
Classification: Benign. Review status: no assertion criteria provided. Collection method: clinical testing. Allele origin: germline. Affected: yes. Study: VKGL Data-share Consensus. Not counted in ClinVar's aggregate classification.

Department of Pathology and Laboratory Medicine, Sinai Health System
Classification: Uncertain significance. Review status: no assertion criteria provided. Collection method: clinical testing. Allele origin: unknown. Affected: yes. Study: The Canadian Open Genetics Repository (COGR). Not counted in ClinVar's aggregate classification.
Comment: The MEFV p.Gly304Arg variant has been reported many times in the literature in relation multiple phenotypes, mainly familial Mediterranean fever (FMF) or phenotypes involving reoccuring fevers, as well as rheumatic disease and other autoimmune phenotypes, however the variant has also been reported to a large extent in healthy control populations (Ebrahimi-Fakhari_2012_PMID: 23137073; Arasawa_2012_PMID: 23217869; Migita_2013_PMID: 23437051; Gunesacar_2014_PMID: 24929125; Yoshioka_2014_PMID: 25088882; Migita_2014_PMID: 24261781; Comak_2014_PMID: 23588594; Fujikawa_2014_PMID: 24965843; Jo_2015_PMID: 25671271; Moritake_2016_ PMID: 26933204; Nonaka_2015_PMID: 25286988; Taniuchi_2013_PMID: 23847694). The variant was identified in 11/384 alleles (freq=0.029) from patients with sure or probable FMF, 19/818 alleles (freq=0.023) from patients with unexplained fever but with an unlikely diagnosis of FMF and in 6/210 alleles (freq=0.029) from healthy controls (Migita_2016_PMID: 27473114). Another study identified the G304R variant in 2/116 patients with FMF as a complex compound heterozygous allele as these patients each carried two other MEFV variants (Kishida_2014_ PMID: 25261100). A study that performed mutational analysis of the MEFV gene on a patient with periodic fever and chest pain who was suspected to have FMF identified the G304R variant only in the patient's healthy mother and sister but not in the affected patient (Oshima_2009_19967574). However, a functional study identified two cases of FMF that were homozygous for the G304R variant and found that the variant caused excessive exon 2 skipping due to alternative splicing in these patients, suggesting that this abberant splicing was causal of thier phenotype. Transfection of wild-type andÂ¬â€ Â¬â€ G304R variant MEFV constructs into HEK293T cells resulted in aberrant splicing of the mutant construct leading to abnormal protein size, presumably causing loss of pyrin function (Tone_2012_ PMID: 21562927). This p.G304R was also identified in dbSNP (ID: rs75977701), ClinVar (classified as benign by Invitae, likely benign by Counsyl, likely pathogenic by GeneDx and as a VUS by ARUP Laboratories and Integrated Genetics), Cosmic (FATHMM prediction of neutral; score=0.00) and LOVD 3.0. The variant was identified in control databases in 1318 of 281346 chromosomes (12 homozygous) at a frequency of 0.004685 increasing the likelihood this could be a low frequency benign variant (Genome Aggregation Database Feb 27, 2017). The variant was observed in the following populations: European (Finnish) in 686 of 25046 chromosomes (freq: 0.02739), East Asian in 360 of 19930 chromosomes (freq: 0.01806), Other in 46 of 7206 chromosomes (freq: 0.006384), Ashkenazi Jewish in 43 of 10360 chromosomes (freq: 0.004151), South Asian in 33 of 30606 chromosomes (freq: 0.001078), European (non-Finnish) in 130 of 127858 chromosomes (freq: 0.001017) and African in 20 of 24910 chromosomes (freq: 0.000803); it was not observed in the Latino population. The p.Gly304Arg variant occurs in the last base of the exon; this position has been shown to be part of the splicing consensus sequence and variants involving this position sometimes affect splicing. Further,Â¬â€ Â¬â€ 4 of 4 in silico or computational prediction software programs (SpliceSiteFinder, MaxEntScan, NNSPLICE, GeneSplicer) predict the loss of the 5' splice site. The functional study by Tone et al. described above also confirmed this abberant splicing prediction (Tone_2012_ PMID: 21562927). However, the p.Gly304 residue is not conserved in mammals and four out of five computational analyses (PolyPhen-2, SIFT, AlignGVGD, MutationTaster) do not suggest a high likelihood of impact to the protein; however, this information is not predictive enough to rule out pathogenicity. In summary, based on the above information the clinical significance of this variant cannot be determined with certainty at this time. This variant is classified as a variant of uncertain significance, although we would suggest that this variant may be a low penetrant allele and contribute to FMF in an autosomal recessive manner.

Dr. Peter K. Rogan Lab, Western University
No classification provided (evidence only). Condition: Melanoma. Review status: no classification provided. Collection method: in vitro. Allele origin: not applicable. Functional consequence: retained intron. Not counted in ClinVar's aggregate classification.

Dr. Peter K. Rogan Lab, Western University
No classification provided (evidence only). Condition: Colon adenocarcinoma. Review status: no classification provided. Collection method: in vitro. Allele origin: not applicable. Functional consequence: retained intron. Not counted in ClinVar's aggregate classification.

Dr. Peter K. Rogan Lab, Western University
No classification provided (evidence only). Condition: Colorectal cancer. Review status: no classification provided. Collection method: in vitro. Allele origin: not applicable. Functional consequence: retained intron. Not counted in ClinVar's aggregate classification.

Dr. Peter K. Rogan Lab, Western University
No classification provided (evidence only). Condition: Cervical cancer. Review status: no classification provided. Collection method: in vitro. Allele origin: not applicable. Functional consequence: retained intron. Not counted in ClinVar's aggregate classification.

Dr. Peter K. Rogan Lab, Western University
No classification provided (evidence only). Condition: Cervical cancer. Review status: no classification provided. Collection method: in vitro. Allele origin: not applicable. Functional consequence: retained intron. Not counted in ClinVar's aggregate classification.

Dr. Peter K. Rogan Lab, Western University
No classification provided (evidence only). Condition: Hepatocellular carcinoma. Review status: no classification provided. Collection method: in vitro. Allele origin: not applicable. Functional consequence: retained intron. Not counted in ClinVar's aggregate classification.

Dr. Peter K. Rogan Lab, Western University
No classification provided (evidence only). Condition: Hepatocellular carcinoma. Review status: no classification provided. Collection method: in vitro. Allele origin: not applicable. Functional consequence: retained intron. Not counted in ClinVar's aggregate classification.

Dr. Peter K. Rogan Lab, Western University
No classification provided (evidence only). Condition: Hepatocellular carcinoma. Review status: no classification provided. Collection method: in vitro. Allele origin: not applicable. Functional consequence: retained intron. Not counted in ClinVar's aggregate classification.

Dr. Peter K. Rogan Lab, Western University
No classification provided (evidence only). Condition: Hepatocellular carcinoma. Review status: no classification provided. Collection method: in vitro. Allele origin: not applicable. Functional consequence: retained intron. Not counted in ClinVar's aggregate classification.

Dr. Peter K. Rogan Lab, Western University
No classification provided (evidence only). Condition: Ovarian serous cystadenocarcinoma. Review status: no classification provided. Collection method: in vitro. Allele origin: not applicable. Functional consequence: retained intron. Not counted in ClinVar's aggregate classification.

Dr. Peter K. Rogan Lab, Western University
No classification provided (evidence only). Condition: Gastric cancer. Review status: no classification provided. Collection method: in vitro. Allele origin: not applicable. Functional consequence: retained intron. Not counted in ClinVar's aggregate classification.

Dr. Peter K. Rogan Lab, Western University
No classification provided (evidence only). Condition: Gastric cancer. Review status: no classification provided. Collection method: in vitro. Allele origin: not applicable. Functional consequence: retained intron. Not counted in ClinVar's aggregate classification.

Dr. Peter K. Rogan Lab, Western University
No classification provided (evidence only). Condition: Malignant tumor of esophagus. Review status: no classification provided. Collection method: in vitro. Allele origin: not applicable. Functional consequence: retained intron. Not counted in ClinVar's aggregate classification.

Genome Diagnostics Laboratory, University Medical Center Utrecht
Classification: Likely benign. Review status: no assertion criteria provided. Collection method: clinical testing. Allele origin: germline. Affected: yes. Study: VKGL Data-share Consensus. Not counted in ClinVar's aggregate classification.

Unité médicale des maladies autoinflammatoires, CHRU Montpellier
No classification provided. Condition: Familial Mediterranean fever. Review status: no classification provided. Collection method: not provided. Allele origin: unknown. Not counted in ClinVar's aggregate classification.

Literature cited by the submitters: PubMed 19967574 (cited by Women's Health and Genetics/Laboratory Corporation of America, LabCorp and Counsyl); PubMed 22467954 (cited by Women's Health and Genetics/Laboratory Corporation of America, LabCorp and Counsyl); PubMed 21562927 (cited by Women's Health and Genetics/Laboratory Corporation of America, LabCorp and Counsyl); PubMed 23588594 (cited by Women's Health and Genetics/Laboratory Corporation of America, LabCorp); PubMed 23847694 (cited by Women's Health and Genetics/Laboratory Corporation of America, LabCorp); PubMed 23437051 (cited by Women's Health and Genetics/Laboratory Corporation of America, LabCorp); PubMed 24261781 (cited by Women's Health and Genetics/Laboratory Corporation of America, LabCorp and Counsyl); PubMed 25261100 (cited by Women's Health and Genetics/Laboratory Corporation of America, LabCorp and Counsyl); PubMed 25703702 (cited by Women's Health and Genetics/Laboratory Corporation of America, LabCorp); PubMed 24929125 (cited by Women's Health and Genetics/Laboratory Corporation of America, LabCorp and Counsyl); PubMed 23137073 (cited by Women's Health and Genetics/Laboratory Corporation of America, LabCorp); PubMed 25286988 (cited by Women's Health and Genetics/Laboratory Corporation of America, LabCorp); PubMed 25088882 (cited by Women's Health and Genetics/Laboratory Corporation of America, LabCorp); PubMed 23217869 (cited by Women's Health and Genetics/Laboratory Corporation of America, LabCorp); PubMed 24965843 (cited by Women's Health and Genetics/Laboratory Corporation of America, LabCorp); PubMed 25671271 (cited by Women's Health and Genetics/Laboratory Corporation of America, LabCorp); PubMed 26933204 (cited by Women's Health and Genetics/Laboratory Corporation of America, LabCorp); PubMed 29178647 (cited by Women's Health and Genetics/Laboratory Corporation of America, LabCorp); PubMed 28943464 (cited by Women's Health and Genetics/Laboratory Corporation of America, LabCorp); PubMed 28863210 (cited by Women's Health and Genetics/Laboratory Corporation of America, LabCorp); PubMed 29599418 (cited by Women's Health and Genetics/Laboratory Corporation of America, LabCorp); PubMed 30235678 (cited by Women's Health and Genetics/Laboratory Corporation of America, LabCorp); PubMed 33733382 (cited by Women's Health and Genetics/Laboratory Corporation of America, LabCorp); PubMed 35098403 (cited by Women's Health and Genetics/Laboratory Corporation of America, LabCorp).